The following is an entry in ClinVar:

ClinVar aggregate classification (germline): Uncertain significance (1 of 4 stars; one submission).

Submission:

GeneDx
Classification: Uncertain significance. Last evaluated: 2024-12-18. Review status: criteria provided, single submitter. Criteria: GeneDx Variant Classification Process June 2021. Collection method: clinical testing. Allele origin: germline. Affected: yes.
Comment: Not observed at significant frequency in large population cohorts (gnomAD); In silico analysis indicates that this missense variant does not alter protein structure/function; Has not been previously published as pathogenic or benign to our knowledge

NM_172362.3(KCNH1):c.1109A>G (p.His370Arg)

Gene: KCNH1 (potassium voltage-gated channel subfamily H member 1; minus strand). Cytogenetic location: 1q32.2.
Variant type: single nucleotide variant.
Coding change: c.1109A>G on transcript NM_172362.3 (MANE Select); coding-DNA position 1109, A replaced by G.
Protein change: p.His370Arg; replaces histidine 370 with arginine.
Molecular consequence: missense variant.
Genome position (GRCh38, 1-based): chr1:210,919,993, T>C on the plus strand (A>G on the coding strand, the complement: KCNH1 is on the minus strand). VCF-style: chr1-210919993-T-C. GRCh37 (hg19) VCF-style: chr1-211093335-T-C.
Other names: c.1028A>G, p.His343Arg (NM_002238.4); short protein forms H343R, H370R.
Identifiers: ClinVar variation 3906340 (VCV003906340.1).
Genomic context (GRCh38, chr1:210,919,993, plus strand): 5'-GCAGCCAGCCCAAACACACACACCAGCAGGACCAGCACAGCAGCTCCATATTCAATGTAG[T>C]GGTCCAGCTTACGGGCCACTCGCCCAAGACGGAGCAGCCGGACAACTTTTAGAGAGCTGA-3'
Protein context (NP_758872.1, residues 360-380): RLGRVARKLD[His370Arg]YIEYGAAVLV